The following is an entry in ClinVar:

ClinVar aggregate classification (germline): Uncertain significance (1 of 4 stars; one submission).

gnomAD v4.1: 1 of 1,614,088 alleles (0.000062%); no homozygotes.

Submission:

GeneDx
Classification: Uncertain significance. Last evaluated: 2026-02-18. Review status: criteria provided, single submitter. Criteria: GeneDx Variant Classification Process June 2021. Collection method: clinical testing. Allele origin: germline.
Comment: Not observed at significant frequency in large population cohorts (gnomAD); In silico analysis suggests that this missense variant does not alter protein structure/function; Has not been previously published as pathogenic or benign to our knowledge; This variant is associated with the following publications: (PMID: 21520338, 31554319, 9590290)

NM_005422.4(TECTA):c.1428T>A (p.Asp476Glu)

Genes: TBCEL-TECTA (TBCEL-TECTA readthrough; plus strand), TECTA (tectorin alpha; plus strand). Cytogenetic location: 11q23.3.
Variant type: single nucleotide variant.
Coding change: c.1428T>A on transcript NM_005422.4 (MANE Select); coding-DNA position 1428, T replaced by A.
Protein change: p.Asp476Glu; replaces aspartic acid 476 with glutamic acid.
Molecular consequence: missense variant.
Genome position (GRCh38, 1-based): chr11:121,125,526, T>A. VCF-style: chr11-121125526-T-A. GRCh37 (hg19) VCF-style: chr11-120996235-T-A.
Other names: c.2385T>A, p.Asp795Glu (NM_001378761.1); short protein forms D476E, D795E.
Identifiers: ClinVar variation 5009372 (VCV005009372.1).